The following is an entry in ClinVar:

NM_000038.6(APC):c.3041T>G (p.Met1014Arg)

Gene: APC (APC regulator of Wnt signaling pathway; plus strand). Cytogenetic location: 5q22.2.
Variant type: single nucleotide variant.
Coding change: c.3041T>G on transcript NM_000038.6 (MANE Select); coding-DNA position 3041, T replaced by G.
Protein change: p.Met1014Arg; replaces methionine 1014 with arginine.
Molecular consequence: missense variant.
Genome position (GRCh38, 1-based): chr5:112,838,635, T>G. VCF-style: chr5-112838635-T-G. GRCh37 (hg19) VCF-style: chr5-112174332-T-G.
Other names: c.3041T>G, p.Met1014Arg (NM_001127510.3, NM_001354895.2, NM_001407450.1); c.2987T>G, p.Met996Arg (NM_001127511.3); c.3095T>G, p.Met1032Arg (NM_001354896.2, NM_001407447.1, NM_001407448.1 and 1 more transcripts); c.3071T>G, p.Met1024Arg (NM_001354897.2); c.2966T>G, p.Met989Arg (NM_001354898.2); c.2957T>G, p.Met986Arg (NM_001354899.2); c.2918T>G, p.Met973Arg (NM_001354900.2); c.2864T>G, p.Met955Arg (NM_001354901.2, NM_001407453.1); and 11 more; short protein forms M1004R, M1007R, M1014R, M1024R, M1032R, M1042R, M630R, M731R.
Identifiers: ClinVar variation 2429514 (VCV002429514.7), dbSNP rs2533466788, ClinGen allele CA16027988.
Genomic context (GRCh38, chr5:112,838,635, plus strand): 5'-TTTGCAGTTATGGTCAATACCCAGCCGACCTAGCCCATAAAATACATAGTGCAAATCATA[T>G]GGATGATAATGATGGAGAACTAGATACACCAATAAATTATAGTCTTAAATATTCAGATGA-3'
Protein context (NP_000029.2, residues 1004-1024): LAHKIHSANH[Met1014Arg]DDNDGELDTP

ClinVar aggregate classification (germline): Uncertain significance. Review status: criteria provided, multiple submitters, no conflicts (2 of 4 stars). 5 submissions from 5 submitters: Uncertain significance (5). Last evaluated 2025-11-24.

Conditions:
Hereditary cancer-predisposing syndrome. Also called: Neoplastic Syndromes, Hereditary; Hereditary neoplastic syndrome; Hereditary Cancer Syndrome; Tumor predisposition. Identifiers: Orphanet 140162, MedGen C0027672, MeSH D009386, MONDO:0015356.
Familial adenomatous polyposis 1 (FAP1). Also called: FAMILIAL ADENOMATOUS POLYPOSIS 1, ATTENUATED; POLYPOSIS, ADENOMATOUS INTESTINAL. Identifiers: MedGen C2713442, MONDO:0021056, OMIM 175100. Disease mechanism: loss of function.
Classic or attenuated familial adenomatous polyposis. Identifiers: MedGen CN372698, MONDO:0021057.

Submissions (5):

Color Diagnostics, LLC DBA Color Health
Classification: Uncertain significance for Hereditary cancer-predisposing syndrome. Last evaluated: 2025-11-24. Review status: criteria provided, single submitter. Criteria: ACMG Guidelines, 2015. Collection method: clinical testing. Allele origin: germline.
Comment: This missense variant replaces methionine with arginine at codon 1014 of the APC protein. Computational prediction is inconclusive regarding the impact of this variant on protein structure and function. To our knowledge, functional studies have not been reported for this variant. This variant has not been reported in individuals affected with APC-related disorders in the literature. This variant has not been identified in the general population by the Genome Aggregation Database (gnomAD). The available evidence is insufficient to determine the role of this variant in disease conclusively. Therefore, this variant is classified as a Variant of Uncertain Significance.

Ambry Genetics
Classification: Uncertain significance for Hereditary cancer-predisposing syndrome. Last evaluated: 2024-12-01. Review status: criteria provided, single submitter. Criteria: Ambry Variant Classification Scheme 2023. Collection method: clinical testing. Allele origin: germline.
Comment: The p.M1014R variant (also known as c.3041T>G), located in coding exon 15 of the APC gene, results from a T to G substitution at nucleotide position 3041. The methionine at codon 1014 is replaced by arginine, an amino acid with similar properties. This amino acid position is conserved. In addition, in silico predictors for this gene do not accurately predict pathogenicity. Based on the available evidence, the clinical significance of this variant remains unclear.

Labcorp Genetics (formerly Invitae), Labcorp
Classification: Uncertain significance for Familial adenomatous polyposis 1. Last evaluated: 2024-06-19. Review status: criteria provided, single submitter. Criteria: Invitae Variant Classification Sherloc (09022015). Collection method: clinical testing. Allele origin: germline.
Comment: This sequence change replaces methionine, which is neutral and non-polar, with arginine, which is basic and polar, at codon 1014 of the APC protein (p.Met1014Arg). This variant is not present in population databases (gnomAD no frequency). This variant has not been reported in the literature in individuals affected with APC-related conditions. ClinVar contains an entry for this variant (Variation ID: 2429514). Advanced modeling of protein sequence and biophysical properties (such as structural, functional, and spatial information, amino acid conservation, physicochemical variation, residue mobility, and thermodynamic stability) performed at Invitae indicates that this missense variant is not expected to disrupt APC protein function with a negative predictive value of 95%. In summary, the available evidence is currently insufficient to determine the role of this variant in disease. Therefore, it has been classified as a Variant of Uncertain Significance.

All of Us Research Program, National Institutes of Health
Classification: Uncertain significance for Classic or attenuated familial adenomatous polyposis. Last evaluated: 2023-06-26. Review status: criteria provided, single submitter. Criteria: ACMG Guidelines, 2015. Collection method: clinical testing. Allele origin: germline. Inheritance: Autosomal dominant inheritance. Observed: 1 variant allele, 1 heterozygote.
Comment: This missense variant replaces methionine with arginine at codon 1014 of the APC protein. Computational prediction is inconclusive regarding the impact of this variant on protein structure and function (internally defined REVEL score threshold 0.5 < inconclusive < 0.7, PMID: 27666373). To our knowledge, functional studies have not been reported for this variant. This variant has not been reported in individuals affected with hereditary cancer in the literature. This variant has not been identified in the general population by the Genome Aggregation Database (gnomAD). The available evidence is insufficient to determine the role of this variant in disease conclusively. Therefore, this variant is classified as a Variant of Uncertain Significance.

This study involves interpretation of variants in research participants for the purpose of population health screening. Participant phenotype was not available at the time of variant classification. Additional details can be found in publication PMID: 35346344, PMCID: PMC8962531

GeneDx
Classification: Uncertain significance. Last evaluated: 2023-04-19. Review status: criteria provided, single submitter. Criteria: GeneDx Variant Classification Process June 2021. Collection method: clinical testing. Allele origin: germline. Affected: yes.
Comment: Not observed at significant frequency in large population cohorts (gnomAD); In silico analysis supports that this missense variant does not alter protein structure/function; Has not been previously published as pathogenic or benign to our knowledge